The following is an entry in ClinVar:

NM_001267550.2(TTN):c.106272T>A (p.Thr35424=)

Genes: TTN (titin; minus strand), TTN-AS1 (TTN antisense RNA 1; plus strand). Cytogenetic location: 2q31.2.
Variant type: single nucleotide variant.
Coding change: c.106272T>A on transcript NM_001267550.2 (MANE Select); coding-DNA position 106272, T replaced by A.
Protein change: p.Thr35424=; no amino-acid change (threonine 35424 retained).
Molecular consequence: synonymous variant.
Genome position (GRCh38, 1-based): chr2:178,530,343, A>T on the plus strand (T>A on the coding strand, the complement: TTN is on the minus strand). VCF-style: chr2-178530343-A-T. GRCh37 (hg19) VCF-style: chr2-179395070-A-T.
Other names: c.101349T>A, p.Thr33783= (NM_001256850.1); c.79077T>A, p.Thr26359= (NM_003319.4); c.98568T>A, p.Thr32856= (NM_133378.4); c.79452T>A, p.Thr26484= (NM_133432.3); c.79653T>A, p.Thr26551= (NM_133437.4).
Identifiers: ClinVar variation 2651577 (VCV002651577.24), dbSNP rs760273290, ClinGen allele CA430235181.

ClinVar aggregate classification (germline): Likely benign (1 of 4 stars; one submission).

Submission:

CeGaT Center for Human Genetics Tuebingen
Classification: Likely benign. Last evaluated: 2022-08-01. Review status: criteria provided, single submitter. Criteria: CeGaT Center For Human Genetics Tuebingen Variant Classification Criteria Version 2. Collection method: clinical testing. Allele origin: germline. Affected: yes. Observed: 1 variant allele.
Comment: TTN: PM2:Supporting, BP4, BP7